The following is an entry in ClinVar:

ClinVar aggregate classification (germline): Uncertain significance (1 of 4 stars; one submission).

Submission:

Labcorp Genetics (formerly Invitae), Labcorp
Classification: Uncertain significance. Last evaluated: 2025-10-14. Review status: criteria provided, single submitter. Criteria: Invitae Variant Classification Sherloc (09022015). Collection method: clinical testing. Allele origin: germline.
Comment: This sequence change replaces alanine, which is neutral and non-polar, with valine, which is neutral and non-polar, at codon 56 of the AHDC1 protein (p.Ala56Val). This variant is not present in population databases (gnomAD no frequency). This variant has not been reported in the literature in individuals affected with AHDC1-related conditions. ClinVar contains an entry for this variant (Variation ID: 3603378). An algorithm developed to predict the effect of missense changes on protein structure and function (PolyPhen-2) suggests that this variant is likely to be tolerated. In summary, the available evidence is currently insufficient to determine the role of this variant in disease. Therefore, it has been classified as a Variant of Uncertain Significance.

NM_001371928.1(AHDC1):c.167C>T (p.Ala56Val)

Gene: AHDC1 (AT-hook DNA binding motif containing 1; minus strand). Cytogenetic location: 1p36.11.
Variant type: single nucleotide variant.
Coding change: c.167C>T on transcript NM_001371928.1 (MANE Select); coding-DNA position 167, C replaced by T.
Protein change: p.Ala56Val; replaces alanine 56 with valine.
Molecular consequence: missense variant.
Genome position (GRCh38, 1-based): chr1:27,551,949, G>A on the plus strand (C>T on the coding strand, the complement: AHDC1 is on the minus strand). VCF-style: chr1-27551949-G-A. GRCh37 (hg19) VCF-style: chr1-27878460-G-A.
Other names: c.167C>T, p.Ala56Val (NM_001029882.3); short protein forms A56V.
Identifiers: ClinVar variation 3603378 (VCV003603378.2).